The following is an entry in ClinVar:

ClinVar aggregate classification (germline): Conflicting classifications of pathogenicity. Review status: criteria provided, conflicting classifications (1 of 4 stars). 4 submissions from 4 submitters: Uncertain significance (1); Benign (1); Likely benign (1). 1 of the submissions does not count toward it. Last evaluated 2024-03-29.

Conditions:
Spermatogenic failure, X-linked, 2 (SPGFX2). Also called: MALE INFERTILITY FROM DEFECT IN MEIOSIS. Identifiers: MedGen C1839841, MONDO:0010647, OMIM 309120.

Allele frequency attached by ClinVar (database versions not stated): gnomAD exomes 0.00044 and 0.00029; gnomAD 0.00050 and 0.00053; ExAC 0.00056; ESP Exome Variant Server 0.00066; TOPMed 0.00072; 1000 Genomes Project 0.00079; 1000 Genomes Project 30x 0.00083.

Submissions (4):

Laboratory for Molecular Medicine, Mass General Brigham Personalized Medicine
Classification: Likely benign. Last evaluated: 2024-03-29. Review status: criteria provided, single submitter. Criteria: ACMG Guidelines, 2015. Collection method: clinical testing. Allele origin: germline.
Comment: The p.Met171Val variant in TEX11 is classified as likely benign because it has been identified in 0.73% (245/33686) of East Asian chromosomes including 82 hemizygotes and 1 homozygote by gnomAD (v.4.0.0). In addition, computational prediction tools predict that this variant does not impact the protein. ACMG/AMP Criteria applied: BS1, BP4.

Labcorp Genetics (formerly Invitae), Labcorp
Classification: Benign. Last evaluated: 2024-02-22. Review status: criteria provided, single submitter. Criteria: Invitae Variant Classification Sherloc (09022015). Collection method: clinical testing. Allele origin: germline.

Mendelics
Classification: Uncertain significance. Last evaluated: 2022-05-04. Review status: criteria provided, single submitter. Criteria: Mendelics Assertion Criteria 2019. Collection method: clinical testing. Allele origin: germline.

OMIM
Classification: Pathogenic for SPERMATOGENIC FAILURE, X-LINKED, 2. Last evaluated: 2015-05-28. Review status: no assertion criteria provided. Collection method: literature only. Allele origin: germline. Not counted in ClinVar's aggregate classification.

Literature cited by the submitters: PubMed 25970010 (cited by OMIM).

NM_031276.3(TEX11):c.466A>G (p.Met156Val)

Gene: TEX11 (testis expressed 11; minus strand). Cytogenetic location: Xq13.1.
Variant type: single nucleotide variant.
Coding change: c.466A>G on transcript NM_031276.3 (MANE Select); coding-DNA position 466, A replaced by G.
Protein change: p.Met156Val; replaces methionine 156 with valine.
Molecular consequence: missense variant.
Genome position (GRCh38, 1-based): chrX:70,853,093, T>C on the plus strand (A>G on the coding strand, the complement: TEX11 is on the minus strand). VCF-style: chrX-70853093-T-C. GRCh37 (hg19) VCF-style: chrX-70072943-T-C.
Other names: TEX11, MET171VAL (rs143246552); c.511A>G, p.Met171Val (NM_001003811.2); short protein forms M171V, M156V.
Identifiers: ClinVar variation 192379 (VCV000192379.8), dbSNP rs143246552, ClinGen allele CA200229.